The following is an entry in ClinVar:

ClinVar aggregate classification (germline): Uncertain significance (1 of 4 stars; one submission).

Conditions:
Juvenile polyposis syndrome (JPS). Identifiers: Orphanet 2929, MedGen C0345893, MONDO:0017380, OMIM 174900.

Submission:

Labcorp Genetics (formerly Invitae), Labcorp
Classification: Uncertain significance for Juvenile polyposis syndrome. Last evaluated: 2023-04-24. Review status: criteria provided, single submitter. Criteria: Invitae Variant Classification Sherloc (09022015). Collection method: clinical testing. Allele origin: germline.
Comment: In summary, the available evidence is currently insufficient to determine the role of this variant in disease. Therefore, it has been classified as a Variant of Uncertain Significance. Advanced modeling of protein sequence and biophysical properties (such as structural, functional, and spatial information, amino acid conservation, physicochemical variation, residue mobility, and thermodynamic stability) performed at Invitae indicates that this missense variant is not expected to disrupt SMAD4 protein function. This variant has not been reported in the literature in individuals affected with SMAD4-related conditions. This variant is not present in population databases (gnomAD no frequency). This sequence change replaces proline, which is neutral and non-polar, with alanine, which is neutral and non-polar, at codon 281 of the SMAD4 protein (p.Pro281Ala).

NM_005359.6(SMAD4):c.841C>G (p.Pro281Ala)

Gene: SMAD4 (SMAD family member 4; plus strand). Cytogenetic location: 18q21.2.
Variant type: single nucleotide variant.
Coding change: c.841C>G on transcript NM_005359.6 (MANE Select); coding-DNA position 841, C replaced by G.
Protein change: p.Pro281Ala; replaces proline 281 with alanine.
Molecular consequence: missense variant. On other transcripts: non-coding transcript variant (2).
Genome position (GRCh38, 1-based): chr18:51,058,393, C>G. VCF-style: chr18-51058393-C-G. GRCh37 (hg19) VCF-style: chr18-48584763-C-G.
Other names: c.841C>G, p.Pro281Ala (NM_001407041.1, NM_001407042.1, NM_001407043.1); short protein forms P281A.
Identifiers: ClinVar variation 2858733 (VCV002858733.3), dbSNP rs1909902164, ClinGen allele CA402463470.